The following is an entry in ClinVar:

NM_001367624.2(ZNF469):c.9385G>C (p.Glu3129Gln)

Gene: ZNF469 (zinc finger protein 469; plus strand). Cytogenetic location: 16q24.2.
Variant type: single nucleotide variant.
Coding change: c.9385G>C on transcript NM_001367624.2 (MANE Select); coding-DNA position 9385, G replaced by C.
Protein change: p.Glu3129Gln; replaces glutamic acid 3129 with glutamine.
Molecular consequence: missense variant.
Genome position (GRCh38, 1-based): chr16:88,436,855, G>C. VCF-style: chr16-88436855-G-C. GRCh37 (hg19) VCF-style: chr16-88503263-G-C.
Other names: short protein forms E3129Q.
Identifiers: ClinVar variation 1374644 (VCV001374644.6), dbSNP rs1440676014, ClinGen allele CA397122080.

ClinVar aggregate classification (germline): Uncertain significance (1 of 4 stars; one submission).

gnomAD v4.1: 1 of 1,529,340 alleles (0.000065%); highest among the groups gnomAD compares: East Asian, 0.0025%; no homozygotes.

Submission:

Labcorp Genetics (formerly Invitae), Labcorp
Classification: Uncertain significance. Last evaluated: 2021-10-19. Review status: criteria provided, single submitter. Criteria: Invitae Variant Classification Sherloc (09022015). Collection method: clinical testing. Allele origin: germline.
Comment: This sequence change replaces glutamic acid with glutamine at codon 3101 of the ZNF469 protein (p.Glu3101Gln). The glutamic acid residue is moderately conserved and there is a small physicochemical difference between glutamic acid and glutamine. The frequency data for this variant in the population databases is considered unreliable, as metrics indicate insufficient coverage at this position in the ExAC database. This variant has not been reported in the literature in individuals affected with ZNF469-related conditions. Algorithms developed to predict the effect of missense changes on protein structure and function are either unavailable or do not agree on the potential impact of this missense change (SIFT: "Tolerated"; PolyPhen-2: "Probably Damaging"; Align-GVGD: "Class C0"). In summary, the available evidence is currently insufficient to determine the role of this variant in disease. Therefore, it has been classified as a Variant of Uncertain Significance.